The following is an entry in ClinVar:

NM_001370259.2(MEN1):c.446-11C>G

Gene: MEN1 (menin 1; minus strand). Cytogenetic location: 11q13.1.
Variant type: single nucleotide variant.
Coding change: c.446-11C>G on transcript NM_001370259.2 (MANE Select); 11 bases into the intron before coding-DNA position 446, C replaced by G.
Molecular consequence: intron variant.
Genome position (GRCh38, 1-based): chr11:64,808,110, G>C on the plus strand (C>G on the coding strand, the complement: MEN1 is on the minus strand). VCF-style: chr11-64808110-G-C. GRCh37 (hg19) VCF-style: chr11-64575582-G-C.
Other names: c.461-11C>G (NM_130804.3, NM_130803.3, NM_000244.4 and 3 more transcripts); c.446-11C>G (NM_130799.3, NM_001370260.2, NM_001370251.2 and 4 more transcripts).
Identifiers: ClinVar variation 1593100 (VCV001593100.10), dbSNP rs1273035105, ClinGen allele CA599804107.

ClinVar aggregate classification (germline): Likely benign. Review status: criteria provided, multiple submitters, no conflicts (2 of 4 stars). 3 submissions from 3 submitters: Likely benign (3). Last evaluated 2026-01-13.

Conditions:
Multiple endocrine neoplasia, type 1 (MEN1). Also called: MEA I; MEN I; Endocrine adenomatosis multiple; MEN 1; WERMER SYNDROME. Identifiers: Orphanet 652, MedGen C0025267, MeSH D018761, MONDO:0007540, OMIM 131100.

Allele frequency attached by ClinVar (database versions not stated): gnomAD exomes below 0.00001 and 0.00002; TOPMed below 0.00001; gnomAD 0.00001.
gnomAD v4.1: 26 of 1,599,538 alleles (0.0016%); highest among the groups gnomAD compares: Non-Finnish European, 0.0022%; no homozygotes.

Submissions (3):

Labcorp Genetics (formerly Invitae), Labcorp
Classification: Likely benign for Multiple endocrine neoplasia, type 1. Last evaluated: 2026-01-13. Review status: criteria provided, single submitter. Criteria: Invitae Variant Classification Sherloc (09022015). Collection method: clinical testing. Allele origin: germline.

All of Us Research Program, National Institutes of Health
Classification: Likely benign for Multiple endocrine neoplasia, type 1. Last evaluated: 2023-07-10. Review status: criteria provided, single submitter. Criteria: ACMG Guidelines, 2015. Collection method: clinical testing. Allele origin: germline. Inheritance: Autosomal dominant inheritance. Observed: 2 variant alleles, 2 heterozygotes.
Comment: This study involves interpretation of variants in research participants for the purpose of population health screening. Participant phenotype was not available at the time of variant classification. Additional details can be found in publication PMID: 35346344, PMCID: PMC8962531

Color Diagnostics, LLC DBA Color Health
Classification: Likely benign for Multiple endocrine neoplasia, type 1. Last evaluated: 2022-02-02. Review status: criteria provided, single submitter. Criteria: ACMG Guidelines, 2015. Collection method: clinical testing. Allele origin: germline.